The following is an entry in ClinVar:

ClinVar aggregate classification (germline): Likely benign. Review status: criteria provided, multiple submitters, no conflicts (2 of 4 stars). 2 submissions from 2 submitters: Likely benign (2). Last evaluated 2025-07-30.

Conditions:
Tuberous sclerosis 2 (TSC2). Identifiers: Orphanet 805, MedGen C1860707, MONDO:0013199, OMIM 613254.

Allele frequency attached by ClinVar (database versions not stated): gnomAD exomes below 0.00001.
gnomAD v4.1: 1 of 1,609,960 alleles (0.000062%); highest among the groups gnomAD compares: South Asian, 0.0011%; no homozygotes.

Submissions (2):

Labcorp Genetics (formerly Invitae), Labcorp
Classification: Likely benign for Tuberous sclerosis 2. Last evaluated: 2025-07-30. Review status: criteria provided, single submitter. Criteria: Invitae Variant Classification Sherloc (09022015). Collection method: clinical testing. Allele origin: germline.

Myriad Genetics, Inc.
Classification: Likely benign for Tuberous sclerosis 2. Last evaluated: 2025-05-08. Review status: criteria provided, single submitter. Criteria: Myriad Autosomal Dominant, Autosomal Recessive and X-Linked Classification Criteria (2023). Collection method: clinical testing. Allele origin: unknown.
Comment: This variant is considered likely benign. This variant is intronic and is not expected to impact mRNA splicing.

NM_000548.5(TSC2):c.649-4C>T

Gene: TSC2 (TSC complex subunit 2; plus strand). Cytogenetic location: 16p13.3.
Variant type: single nucleotide variant.
Coding change: c.649-4C>T on transcript NM_000548.5 (MANE Select); 4 bases into the intron before coding-DNA position 649, C replaced by T.
Molecular consequence: intron variant.
Genome position (GRCh38, 1-based): chr16:2,056,640, C>T. VCF-style: chr16-2056640-C-T. GRCh37 (hg19) VCF-style: chr16-2106641-C-T.
Other names: c.649-4C>T (NM_001114382.3, NM_021055.3, NM_001370405.1 and 3 more transcripts); c.538-4C>T (NM_001318827.2); c.49-4C>T (NM_001318831.2); c.502-4C>T (NM_001318829.2); c.682-4C>T (NM_001318832.2).
Identifiers: ClinVar variation 536043 (VCV000536043.11), dbSNP rs1329743344, ClinGen allele CA620373170.